The following is an entry in ClinVar:

NM_006231.4(POLE):c.6002C>G (p.Ser2001Ter)

Gene: POLE (DNA polymerase epsilon, catalytic subunit; minus strand). Cytogenetic location: 12q24.33.
Variant type: single nucleotide variant.
Coding change: c.6002C>G on transcript NM_006231.4 (MANE Select); coding-DNA position 6002, C replaced by G.
Protein change: p.Ser2001Ter; replaces serine 2001 with a stop codon.
Molecular consequence: nonsense.
Genome position (GRCh38, 1-based): chr12:132,634,188, G>C on the plus strand (C>G on the coding strand, the complement: POLE is on the minus strand). VCF-style: chr12-132634188-G-C. GRCh37 (hg19) VCF-style: chr12-133210774-G-C.
Other names: short protein forms S2001*.
Identifiers: ClinVar variation 567593 (VCV000567593.8), dbSNP rs1565928374, ClinGen allele CA387371400.

ClinVar aggregate classification (germline): Pathogenic (1 of 4 stars; one submission).

Submission:

Labcorp Genetics (formerly Invitae), Labcorp
Classification: Pathogenic. Last evaluated: 2023-08-27. Review status: criteria provided, single submitter. Criteria: Invitae Variant Classification Sherloc (09022015). Collection method: clinical testing. Allele origin: germline.
Comment: For these reasons, this variant has been classified as Pathogenic. ClinVar contains an entry for this variant (Variation ID: 567593). This variant has not been reported in the literature in individuals affected with POLE-related conditions. This variant is not present in population databases (gnomAD no frequency). This sequence change creates a premature translational stop signal (p.Ser2001*) in the POLE gene. It is expected to result in an absent or disrupted protein product. Loss-of-function variants in POLE are known to be pathogenic (PMID: 23230001, 25948378, 30503519).

Literature cited by the submitters: PubMed 23230001; PubMed 25948378; PubMed 30503519.